The following is an entry in ClinVar:

NM_005148.4(UNC119):c.631C>A (p.Pro211Thr)

Gene: UNC119 (unc-119 lipid binding chaperone; minus strand). Cytogenetic location: 17q11.2.
Variant type: single nucleotide variant.
Coding change: c.631C>A on transcript NM_005148.4 (MANE Select); coding-DNA position 631, C replaced by A.
Protein change: p.Pro211Thr; replaces proline 211 with threonine.
Molecular consequence: missense variant. On other transcripts: 3 prime UTR variant (1).
Genome position (GRCh38, 1-based): chr17:28,547,389, G>T on the plus strand (C>A on the coding strand, the complement: UNC119 is on the minus strand). VCF-style: chr17-28547389-G-T. GRCh37 (hg19) VCF-style: chr17-26874407-G-T.
Other names: c.346C>A, p.Pro116Thr (NM_001330166.2); c.*235C>A (NM_054035.2); short protein forms P211T, P116T.
Identifiers: ClinVar variation 2077902 (VCV002077902.4), dbSNP rs2508462195, ClinGen allele CA398328860.

ClinVar aggregate classification (germline): Uncertain significance (1 of 4 stars; one submission).

Submission:

Labcorp Genetics (formerly Invitae), Labcorp
Classification: Uncertain significance. Last evaluated: 2022-09-27. Review status: criteria provided, single submitter. Criteria: Invitae Variant Classification Sherloc (09022015). Collection method: clinical testing. Allele origin: germline.
Comment: This sequence change replaces proline, which is neutral and non-polar, with threonine, which is neutral and polar, at codon 211 of the UNC119 protein (p.Pro211Thr). In summary, the available evidence is currently insufficient to determine the role of this variant in disease. Therefore, it has been classified as a Variant of Uncertain Significance. Algorithms developed to predict the effect of missense changes on protein structure and function are either unavailable or do not agree on the potential impact of this missense change (SIFT: "Not Available"; PolyPhen-2: "Probably Damaging"; Align-GVGD: "Not Available"). This variant has not been reported in the literature in individuals affected with UNC119-related conditions. This variant is not present in population databases (gnomAD no frequency).